The following is an entry in ClinVar:

ClinVar aggregate classification (germline): Uncertain significance (1 of 4 stars; one submission).

Conditions:
Aicardi-Goutieres syndrome 5. Identifiers: Orphanet 51, MedGen C2749659, MONDO:0013059, OMIM 612952.

Allele frequency attached by ClinVar (database versions not stated): gnomAD exomes below 0.00001; TOPMed below 0.00001; gnomAD 0.00001; ExAC 0.00002.
gnomAD v4.1: 5 of 1,612,850 alleles (0.00031%); highest among the groups gnomAD compares: South Asian, 0.0033%; no homozygotes.

Submission:

Labcorp Genetics (formerly Invitae), Labcorp
Classification: Uncertain significance for Aicardi-Goutieres syndrome 5. Last evaluated: 2024-02-17. Review status: criteria provided, single submitter. Criteria: Invitae Variant Classification Sherloc (09022015). Collection method: clinical testing. Allele origin: germline.
Comment: This sequence change replaces methionine, which is neutral and non-polar, with valine, which is neutral and non-polar, at codon 416 of the SAMHD1 protein (p.Met416Val). This variant is present in population databases (rs772221625, gnomAD 0.003%). This variant has not been reported in the literature in individuals affected with SAMHD1-related conditions. ClinVar contains an entry for this variant (Variation ID: 1957371). Advanced modeling of protein sequence and biophysical properties (such as structural, functional, and spatial information, amino acid conservation, physicochemical variation, residue mobility, and thermodynamic stability) performed at Invitae indicates that this missense variant is not expected to disrupt SAMHD1 protein function with a negative predictive value of 80%. In summary, the available evidence is currently insufficient to determine the role of this variant in disease. Therefore, it has been classified as a Variant of Uncertain Significance.

NM_015474.4(SAMHD1):c.1246A>G (p.Met416Val)

Gene: SAMHD1 (SAM and HD domain containing deoxynucleoside triphosphate triphosphohydrolase 1; minus strand). Cytogenetic location: 20q11.23.
Variant type: single nucleotide variant.
Coding change: c.1246A>G on transcript NM_015474.4 (MANE Select); coding-DNA position 1246, A replaced by G.
Protein change: p.Met416Val; replaces methionine 416 with valine.
Molecular consequence: missense variant.
Genome position (GRCh38, 1-based): chr20:36,911,242, T>C on the plus strand (A>G on the coding strand, the complement: SAMHD1 is on the minus strand). VCF-style: chr20-36911242-T-C. GRCh37 (hg19) VCF-style: chr20-35539645-T-C.
Other names: c.1246A>G, p.Met416Val (NM_001363729.2, NM_001363733.2); short protein forms M416V.
Identifiers: ClinVar variation 1957371 (VCV001957371.4), dbSNP rs772221625, ClinGen allele CA9844552.